The following is an entry in ClinVar:

ClinVar aggregate classification (germline): Uncertain significance (1 of 4 stars; one submission).

Submission:

Labcorp Genetics (formerly Invitae), Labcorp
Classification: Uncertain significance. Last evaluated: 2024-10-21. Review status: criteria provided, single submitter. Criteria: Invitae Variant Classification Sherloc (09022015). Collection method: clinical testing. Allele origin: germline.
Comment: This sequence change replaces methionine, which is neutral and non-polar, with valine, which is neutral and non-polar, at codon 1103 of the SON protein (p.Met1103Val). This variant is present in population databases (rs148508286, gnomAD 0.01%). This variant has not been reported in the literature in individuals affected with SON-related conditions. An algorithm developed to predict the effect of missense changes on protein structure and function (PolyPhen-2) suggests that this variant is likely to be disruptive. In summary, the available evidence is currently insufficient to determine the role of this variant in disease. Therefore, it has been classified as a Variant of Uncertain Significance.

NM_138927.4(SON):c.3307A>G (p.Met1103Val)

Gene: SON (SON DNA and RNA binding protein; plus strand). Cytogenetic location: 21q22.11.
Variant type: single nucleotide variant.
Coding change: c.3307A>G on transcript NM_138927.4 (MANE Select); coding-DNA position 3307, A replaced by G.
Protein change: p.Met1103Val; replaces methionine 1103 with valine.
Molecular consequence: missense variant. On other transcripts: non-coding transcript variant (1), intron variant (1).
Genome position (GRCh38, 1-based): chr21:33,552,538, A>G. VCF-style: chr21-33552538-A-G. GRCh37 (hg19) VCF-style: chr21-34924844-A-G.
Other names: c.3307A>G, p.Met1103Val (NM_001291411.2, NM_032195.3); c.245-4618A>G (NM_001291412.3); short protein forms M1103V.
Identifiers: ClinVar variation 3711086 (VCV003711086.2).